The following is an entry in ClinVar:

NM_014055.4(IFT81):c.859A>G (p.Asn287Asp)

Gene: IFT81 (intraflagellar transport 81; plus strand). Cytogenetic location: 12q24.11.
Variant type: single nucleotide variant.
Coding change: c.859A>G on transcript NM_014055.4 (MANE Select); coding-DNA position 859, A replaced by G.
Protein change: p.Asn287Asp; replaces asparagine 287 with aspartic acid.
Molecular consequence: missense variant. On other transcripts: non-coding transcript variant (3), intron variant (2).
Genome position (GRCh38, 1-based): chr12:110,143,459, A>G. VCF-style: chr12-110143459-A-G. GRCh37 (hg19) VCF-style: chr12-110581264-A-G.
Other names: c.859A>G, p.Asn287Asp (NM_001143779.2, NM_001347946.2, NM_031473.4); c.16-3494A>G (NM_001347948.2, NM_001347947.2); short protein forms N287D.
Identifiers: ClinVar variation 1430411 (VCV001430411.8), dbSNP rs1339259407, ClinGen allele CA386911206.
Genomic context (GRCh38, chr12:110,143,459, plus strand): 5'-GAGGAGGAGATAAAATTTAATTTATATATGGTAACTGAAAAATTTCCTAAAGAATTAGAA[A>G]ATAAGAAAAAGGAATTACATTTTTTACAAAAAGTAGTTTCAGAGCCAGCTATGGGCCATT-3'
Protein context (NP_054774.2, residues 277-297): VTEKFPKELE[Asn287Asp]KKKELHFLQK

ClinVar aggregate classification (germline): Uncertain significance (1 of 4 stars; one submission).

Allele frequency attached by ClinVar (database versions not stated): gnomAD exomes below 0.00001; TOPMed below 0.00001; gnomAD 0.00001.
gnomAD v4.1: 2 of 1,551,924 alleles (0.00013%); highest among the groups gnomAD compares: Non-Finnish European, 0.00017%; no homozygotes.

Submission:

Labcorp Genetics (formerly Invitae), Labcorp
Classification: Uncertain significance. Last evaluated: 2022-10-13. Review status: criteria provided, single submitter. Criteria: Invitae Variant Classification Sherloc (09022015). Collection method: clinical testing. Allele origin: germline.
Comment: In summary, the available evidence is currently insufficient to determine the role of this variant in disease. Therefore, it has been classified as a Variant of Uncertain Significance. Algorithms developed to predict the effect of sequence changes on RNA splicing suggest that this variant may create or strengthen a splice site. Advanced modeling of protein sequence and biophysical properties (such as structural, functional, and spatial information, amino acid conservation, physicochemical variation, residue mobility, and thermodynamic stability) performed at Invitae indicates that this missense variant is not expected to disrupt IFT81 protein function. ClinVar contains an entry for this variant (Variation ID: 1430411). This variant has not been reported in the literature in individuals affected with IFT81-related conditions. This variant is not present in population databases (gnomAD no frequency). This sequence change replaces asparagine, which is neutral and polar, with aspartic acid, which is acidic and polar, at codon 287 of the IFT81 protein (p.Asn287Asp).